The following is an entry in ClinVar:

ClinVar aggregate classification (germline): Uncertain significance (1 of 4 stars; one submission).

Conditions:
Developmental and epileptic encephalopathy, 11 (DEE11). Also called: Early infantile epileptic encephalopathy 11. Identifiers: Orphanet 1934, MedGen C3150987, MONDO:0013388, OMIM 613721.
Seizures, benign familial infantile, 3 (BFIS3). Also called: CONVULSIONS, BENIGN FAMILIAL INFANTILE, 3; Familial neonatal seizures. Identifiers: Orphanet 140927, Orphanet 306, MedGen C1843140, MONDO:0011904, OMIM 607745.

gnomAD v4.1: 2 of 1,614,192 alleles (0.00012%); highest among the groups gnomAD compares: Non-Finnish European, 0.00017%; no homozygotes.

Submission:

Labcorp Genetics (formerly Invitae), Labcorp
Classification: Uncertain significance for Seizures, benign familial infantile, 3; Developmental and epileptic encephalopathy, 11. Last evaluated: 2025-04-29. Review status: criteria provided, single submitter. Criteria: Invitae Variant Classification Sherloc (09022015). Collection method: clinical testing. Allele origin: germline.
Comment: This sequence change replaces phenylalanine, which is neutral and non-polar, with leucine, which is neutral and non-polar, at codon 16 of the SCN2A protein (p.Phe16Leu). This variant is not present in population databases (gnomAD no frequency). This variant has not been reported in the literature in individuals affected with SCN2A-related conditions. Invitae Evidence Modeling of protein sequence and biophysical properties (such as structural, functional, and spatial information, amino acid conservation, physicochemical variation, residue mobility, and thermodynamic stability) indicates that this missense variant is not expected to disrupt SCN2A protein function with a negative predictive value of 95%. In summary, the available evidence is currently insufficient to determine the role of this variant in disease. Therefore, it has been classified as a Variant of Uncertain Significance.

NM_001040142.2(SCN2A):c.46T>C (p.Phe16Leu)

Gene: SCN2A (sodium voltage-gated channel alpha subunit 2; plus strand). Cytogenetic location: 2q24.3.
Variant type: single nucleotide variant.
Coding change: c.46T>C on transcript NM_001040142.2 (MANE Select); coding-DNA position 46, T replaced by C.
Protein change: p.Phe16Leu; replaces phenylalanine 16 with leucine.
Molecular consequence: missense variant.
Genome position (GRCh38, 1-based): chr2:165,295,869, T>C. VCF-style: chr2-165295869-T-C. GRCh37 (hg19) VCF-style: chr2-166152379-T-C.
Other names: c.46T>C, p.Phe16Leu (NM_001040143.2, NM_001371246.1, NM_001371247.1 and 1 more transcripts); short protein forms F16L.
Identifiers: ClinVar variation 4787752 (VCV004787752.1).